The following is an entry in ClinVar:

NM_001079855.2(GYG2):c.1143+262G>C

Gene: GYG2 (glycogenin 2; plus strand). Cytogenetic location: Xp22.33.
Variant type: single nucleotide variant.
Coding change: c.1143+262G>C on transcript NM_001079855.2 (MANE Select); 262 bases into the intron after coding-DNA position 1143, G replaced by C.
Molecular consequence: intron variant.
Genome position (GRCh38, 1-based): chrX:2,876,176, G>C. VCF-style: chrX-2876176-G-C. GRCh37 (hg19) VCF-style: chrX-2794217-G-C.
Other names: c.1236+262G>C (NM_003918.3); c.1132-4876G>C (NM_001184703.2); c.1143+262G>C (NM_001184702.2); c.574-4876G>C (NM_001184704.2).
Identifiers: ClinVar variation 672602 (VCV000672602.1), dbSNP rs139733219, ClinGen allele CA325974322.

ClinVar aggregate classification (germline): Benign (1 of 4 stars; one submission).

Allele frequency attached by ClinVar (database versions not stated): 1000 Genomes Project 0.02490; 1000 Genomes Project 30x 0.02497; gnomAD 0.02915 and 0.02945; TOPMed 0.02923.
gnomAD v4.1: 3,048 of 105,248 alleles (2.9%); highest among the groups gnomAD compares: Middle Eastern, 7.7%; 45 homozygotes.

Submission:

GeneDx
Classification: Benign. Last evaluated: 2018-06-14. Review status: criteria provided, single submitter. Criteria: GeneDx Variant Classification (06012015). Collection method: clinical testing. Allele origin: germline. Affected: yes.
Comment: This variant is considered likely benign or benign based on one or more of the following criteria: it is a conservative change, it occurs at a poorly conserved position in the protein, it is predicted to be benign by multiple in silico algorithms, and/or has population frequency not consistent with disease.